The following is an entry in ClinVar:

NM_024675.4(PALB2):c.494G>A (p.Gly165Asp)

Gene: PALB2 (partner and localizer of BRCA2; minus strand). Cytogenetic location: 16p12.2.
Variant type: single nucleotide variant.
Coding change: c.494G>A on transcript NM_024675.4 (MANE Select); coding-DNA position 494, G replaced by A.
Protein change: p.Gly165Asp; replaces glycine 165 with aspartic acid.
Molecular consequence: missense variant.
Genome position (GRCh38, 1-based): chr16:23,636,052, C>T on the plus strand (G>A on the coding strand, the complement: PALB2 is on the minus strand). VCF-style: chr16-23636052-C-T. GRCh37 (hg19) VCF-style: chr16-23647373-C-T.
Other names: short protein forms G165D.
Identifiers: ClinVar variation 571916 (VCV000571916.3), dbSNP rs1567222798, ClinGen allele CA395137068.

ClinVar aggregate classification (germline): Uncertain significance (1 of 4 stars; one submission).

Conditions:
Familial cancer of breast. Also called: hereditary breast carcinoma; BREAST CANCER, FAMILIAL; Hereditary breast cancer. Identifiers: Orphanet 227535, MedGen C0346153, MONDO:0016419, OMIM 114480. Disease mechanism: loss of function.

Submission:

Labcorp Genetics (formerly Invitae), Labcorp
Classification: Uncertain significance for Familial cancer of breast. Last evaluated: 2025-10-23. Review status: criteria provided, single submitter. Criteria: Invitae Variant Classification Sherloc (09022015). Collection method: clinical testing. Allele origin: germline.
Comment: This sequence change replaces glycine, which is neutral and non-polar, with aspartic acid, which is acidic and polar, at codon 165 of the PALB2 protein (p.Gly165Asp). This variant is not present in population databases (gnomAD no frequency). This variant has not been reported in the literature in individuals affected with PALB2-related conditions. ClinVar contains an entry for this variant (Variation ID: 571916). An algorithm developed to predict the effect of missense changes on protein structure and function outputs the following: PolyPhen-2: "Benign". The aspartic acid amino acid residue is found in multiple mammalian species, which suggests that this missense change does not adversely affect protein function. In summary, the available evidence is currently insufficient to determine the role of this variant in disease. Therefore, it has been classified as a Variant of Uncertain Significance.